The following is an entry in ClinVar:

ClinVar aggregate classification (germline): Uncertain significance (1 of 4 stars; one submission).

gnomAD v4.1: 36 of 1,613,966 alleles (0.0022%); highest among the groups gnomAD compares: African/African-American, 0.043%; no homozygotes.

Submission:

Labcorp Genetics (formerly Invitae), Labcorp
Classification: Uncertain significance. Last evaluated: 2025-06-19. Review status: criteria provided, single submitter. Criteria: Invitae Variant Classification Sherloc (09022015). Collection method: clinical testing. Allele origin: germline.
Comment: This sequence change replaces asparagine, which is neutral and polar, with serine, which is neutral and polar, at codon 425 of the KRT6C protein (p.Asn425Ser). This variant is present in population databases (rs369450600, gnomAD 0.02%). This variant has not been reported in the literature in individuals affected with KRT6C-related conditions. ClinVar contains an entry for this variant (Variation ID: 3708908). Invitae Evidence Modeling of protein sequence and biophysical properties (such as structural, functional, and spatial information, amino acid conservation, physicochemical variation, residue mobility, and thermodynamic stability) indicates that this missense variant is not expected to disrupt KRT6C protein function with a negative predictive value of 80%. In summary, the available evidence is currently insufficient to determine the role of this variant in disease. Therefore, it has been classified as a Variant of Uncertain Significance.

NM_173086.5(KRT6C):c.1274A>G (p.Asn425Ser)

Gene: KRT6C (keratin 6C; minus strand). Cytogenetic location: 12q13.13.
Variant type: single nucleotide variant.
Coding change: c.1274A>G on transcript NM_173086.5 (MANE Select); coding-DNA position 1274, A replaced by G.
Protein change: p.Asn425Ser; replaces asparagine 425 with serine.
Molecular consequence: missense variant.
Genome position (GRCh38, 1-based): chr12:52,469,820, T>C on the plus strand (A>G on the coding strand, the complement: KRT6C is on the minus strand). VCF-style: chr12-52469820-T-C. GRCh37 (hg19) VCF-style: chr12-52863604-T-C.
Other names: short protein forms N425S.
Identifiers: ClinVar variation 3708908 (VCV003708908.2).